The following is an entry in ClinVar:

NM_000059.4(BRCA2):c.3969_3970insCT (p.Tyr1324fs)

Gene: BRCA2 (BRCA2 DNA repair associated; plus strand). Cytogenetic location: 13q13.1.
Variant type: Insertion.
Coding change: c.3969_3970insCT on transcript NM_000059.4 (MANE Select); coding-DNA positions 3969 to 3970, CT inserted.
Protein change: p.Tyr1324fs; shifts the reading frame from tyrosine 1324.
Molecular consequence: frameshift variant. On other transcripts: non-coding transcript variant (1), intron variant (2).
Genome position: GRCh38 VCF-style: chr13-32338324-A-ACT. GRCh37 (hg19) VCF-style: chr13-32912461-A-ACT.
Other names: c.3969_3970insCT, p.Tyr1324fs (NM_001406719.1, NM_001406720.1); c.1909+4937_1909+4938insCT (NM_001406721.1); c.425-6234_425-6233insCT (NM_001406722.1); short protein forms Y1324fs.
Identifiers: ClinVar variation 3076052 (VCV003076052.1), dbSNP rs2548527321, ClinGen allele CA913188551.

ClinVar aggregate classification (germline): Pathogenic (1 of 4 stars; one submission).

Conditions:
Hereditary breast ovarian cancer syndrome. Also called: Hereditary breast and ovarian cancer syndrome; Hereditary breast and ovarian cancer; Hereditary breast and ovarian cancer syndrome (HBOC); Breast and ovarian cancer; Hereditary breast and/or ovarian cancer syndrome; BRCA1- and BRCA2-Associated Hereditary Breast and Ovarian Cancer. Identifiers: Orphanet 145, MedGen C0677776, MeSH D061325, MONDO:0003582. Disease mechanism: loss of function.

Submission:

Laboratory for Molecular Medicine, Mass General Brigham Personalized Medicine
Classification: Pathogenic for Hereditary breast ovarian cancer syndrome. Last evaluated: 2017-12-14. Review status: criteria provided, single submitter. Criteria: ACMG Guidelines, 2015. Collection method: clinical testing. Allele origin: germline. Inheritance: Autosomal dominant inheritance.
Comment: The p.Tyr1324fs variant in BRCA2 has not been previously reported in individuals with BRCA2-associated cancer or in large population studies. This variant is predicted to cause a frameshift, which alters the protein’s amino acid sequence beginning at position 1324 and leads to a premature termination codon 12 amino acids downstream. This alteration is then predicted to lead to a truncated or absent protein. Heterozygous loss of function of the BRCA2 gene is an established disease mechanism in HBOC. In summary, this variant meets criteria to be classified as pathogenic for HBOC in an autosomal dominant manner based upon absence from controls and its predicted impact on the protein. ACMG/AMP Criteria applied: PVS1, PM2 (Richards 2015).